The following is an entry in ClinVar:

ClinVar aggregate classification (germline): Benign/Likely benign. Review status: criteria provided, multiple submitters, no conflicts (2 of 4 stars). 6 submissions from 6 submitters: Benign (1); Likely benign (3). 2 of the submissions do not count toward it. Last evaluated 2026-01-12.

Conditions:
Hermansky-Pudlak syndrome 10 (HPS10). Identifiers: Orphanet 664511, MedGen C4310746, MONDO:0014885, OMIM 617050.

Allele frequency attached by ClinVar (database versions not stated): gnomAD exomes 0.00028 and 0.00074; ExAC 0.00080; 1000 Genomes Project 0.00200; 1000 Genomes Project 30x 0.00281; ESP Exome Variant Server 0.00297; gnomAD 0.00298 and 0.00324; TOPMed 0.00308.
gnomAD v4.1: 861 of 1,613,622 alleles (0.053%); highest among the groups gnomAD compares: African/African-American, 1%; 7 homozygotes.

Submissions (6):

Labcorp Genetics (formerly Invitae), Labcorp
Classification: Benign. Last evaluated: 2026-01-12. Review status: criteria provided, single submitter. Criteria: Invitae Variant Classification Sherloc (09022015). Collection method: clinical testing. Allele origin: germline.

Mayo Clinic Laboratories, Mayo Clinic
Classification: Likely benign. Last evaluated: 2025-10-21. Review status: criteria provided, single submitter. Criteria: ACMG Guidelines, 2015. Collection method: clinical testing. Allele origin: germline. Observed: 10 variant alleles.
Comment: BS1, BP4, BP7

Blueprint Genetics
Classification: Likely benign. Last evaluated: 2024-11-13. Review status: criteria provided, single submitter. Criteria: ACMG Guidelines, 2015. Collection method: clinical testing. Allele origin: germline.

Fulgent Genetics
Classification: Likely benign for Hermansky-Pudlak syndrome 10. Last evaluated: 2021-08-24. Review status: criteria provided, single submitter. Criteria: ACMG Guidelines, 2015. Collection method: clinical testing. Allele origin: unknown.

Clinical Genetics DNA and cytogenetics Diagnostics Lab, Erasmus MC, Erasmus Medical Center
Classification: Likely benign. Review status: no assertion criteria provided. Collection method: clinical testing. Allele origin: germline. Affected: yes. Study: VKGL Data-share Consensus. Not counted in ClinVar's aggregate classification.

Genome Diagnostics Laboratory, University Medical Center Utrecht
Classification: Likely benign. Review status: no assertion criteria provided. Collection method: clinical testing. Allele origin: germline. Affected: yes. Study: VKGL Data-share Consensus. Not counted in ClinVar's aggregate classification.

NM_001261826.3(AP3D1):c.463-4G>A

Gene: AP3D1 (adaptor related protein complex 3 subunit delta 1; minus strand). Cytogenetic location: 19p13.3.
Variant type: single nucleotide variant.
Coding change: c.463-4G>A on transcript NM_001261826.3 (MANE Select); 4 bases into the intron before coding-DNA position 463, G replaced by A.
Molecular consequence: intron variant.
Genome position (GRCh38, 1-based): chr19:2,130,541, C>T on the plus strand (G>A on the coding strand, the complement: AP3D1 is on the minus strand). VCF-style: chr19-2130541-C-T. GRCh37 (hg19) VCF-style: chr19-2130540-C-T.
Other names: p.?; c.463-4G>A (NM_003938.8, NM_001374799.1).
Identifiers: ClinVar variation 724796 (VCV000724796.16), dbSNP rs192634153, ClinGen allele CA9059692.